The following is an entry in ClinVar:

NM_000317.3(PTS):c.105A>C (p.Glu35Asp)

Gene: PTS (6-pyruvoyltetrahydropterin synthase; plus strand). Cytogenetic location: 11q23.1.
Variant type: single nucleotide variant.
Coding change: c.105A>C on transcript NM_000317.3 (MANE Select); coding-DNA position 105, A replaced by C.
Protein change: p.Glu35Asp; replaces glutamic acid 35 with aspartic acid.
Molecular consequence: missense variant.
Genome position (GRCh38, 1-based): chr11:112,228,615, A>C. VCF-style: chr11-112228615-A-C. GRCh37 (hg19) VCF-style: chr11-112099338-A-C.
Other names: short protein forms E35D.
Identifiers: ClinVar variation 2099890 (VCV002099890.4), dbSNP rs2496564153, ClinGen allele CA382626987.

ClinVar aggregate classification (germline): Uncertain significance (1 of 4 stars; one submission).

Conditions:
6-Pyruvoyl-tetrahydrobiopterin synthase deficiency. Also called: 6-Pyruvoyltetrahydropterin Synthase Deficiency; HYPERPHENYLALANINEMIA, TETRAHYDROBIOPTERIN-DEFICIENT, DUE TO PTS DEFICIENCY; PTS-Related Tetrahydrobiopterin Deficiency; PTS DEFICIENCY; Hyperphenylalanemia, BH4-deficient, A; Hyperphenylalaninemia due to 6-pyruvoyl-tetrahydropterin synthase deficiency. Identifiers: Orphanet 13, Orphanet 238583, MedGen C0878676, MONDO:0009863, OMIM 261640.

Allele frequency attached by ClinVar (database versions not stated): gnomAD exomes below 0.00001.
gnomAD v4.1: 2 of 1,609,376 alleles (0.00012%); highest among the groups gnomAD compares: South Asian, 0.0022%; no homozygotes.

Submission:

Labcorp Genetics (formerly Invitae), Labcorp
Classification: Uncertain significance for 6-Pyruvoyl-tetrahydrobiopterin synthase deficiency. Last evaluated: 2022-08-09. Review status: criteria provided, single submitter. Criteria: Invitae Variant Classification Sherloc (09022015). Collection method: clinical testing. Allele origin: germline.
Comment: In summary, the available evidence is currently insufficient to determine the role of this variant in disease. Therefore, it has been classified as a Variant of Uncertain Significance. This variant disrupts the p.Glu35 amino acid residue in PTS. Other variant(s) that disrupt this residue have been determined to be pathogenic (PMID: 10089284, 18060820). This suggests that this residue is clinically significant, and that variants that disrupt this residue are likely to be disease-causing. Algorithms developed to predict the effect of missense changes on protein structure and function are either unavailable or do not agree on the potential impact of this missense change (SIFT: "Deleterious"; PolyPhen-2: "Benign"; Align-GVGD: "Class C35"). This variant has not been reported in the literature in individuals affected with PTS-related conditions. This variant is not present in population databases (gnomAD no frequency). This sequence change replaces glutamic acid, which is acidic and polar, with aspartic acid, which is acidic and polar, at codon 35 of the PTS protein (p.Glu35Asp).

Literature cited by the submitters: PubMed 10089284; PubMed 18060820.